The following is an entry in ClinVar:

NM_152419.3(HGSNAT):c.467A>G (p.Asn156Ser)

Gene: HGSNAT (heparan-alpha-glucosaminide N-acetyltransferase; plus strand). Cytogenetic location: 8p11.21.
Variant type: single nucleotide variant.
Coding change: c.467A>G on transcript NM_152419.3 (MANE Select); coding-DNA position 467, A replaced by G.
Protein change: p.Asn156Ser; replaces asparagine 156 with serine.
Molecular consequence: missense variant. On other transcripts: 5 prime UTR variant (1).
Genome position (GRCh38, 1-based): chr8:43,159,018, A>G. VCF-style: chr8-43159018-A-G. GRCh37 (hg19) VCF-style: chr8-43014161-A-G.
Other names: c.467A>G, p.Asn156Ser (NM_001363227.2, NM_001363228.2); c.-367A>G (NM_001363229.2); short protein forms N156S.
Identifiers: ClinVar variation 2083397 (VCV002083397.2), dbSNP rs1803184570, ClinGen allele CA371115657.

ClinVar aggregate classification (germline): Uncertain significance (1 of 4 stars; one submission).

Conditions:
Mucopolysaccharidosis, MPS-III-C (MPS3C). Also called: SANFILIPPO SYNDROME C; MPS III C; mucopolysaccharidosis type 3C; MUCOPOLYSACCHARIDOSIS, TYPE IIIC; MPS IIIC (Sanfilippo Syndrome Type C); Mucopolysaccharidosis type IIIC (Sanfilippo C). Identifiers: Orphanet 581, Orphanet 79271, MedGen C0086649, MONDO:0009657, OMIM 252930.
Retinitis pigmentosa 73 (RP73). Identifiers: Orphanet 791, MedGen C4225287, MONDO:0014687, OMIM 616544.

Submission:

Labcorp Genetics (formerly Invitae), Labcorp
Classification: Uncertain significance for Retinitis pigmentosa 73; Mucopolysaccharidosis, MPS-III-C. Last evaluated: 2025-03-17. Review status: criteria provided, single submitter. Criteria: Invitae Variant Classification Sherloc (09022015). Collection method: clinical testing. Allele origin: germline.
Comment: This sequence change replaces asparagine, which is neutral and polar, with serine, which is neutral and polar, at codon 156 of the HGSNAT protein (p.Asn156Ser). This variant is not present in population databases (gnomAD no frequency). This variant has not been reported in the literature in individuals affected with HGSNAT-related conditions. ClinVar contains an entry for this variant (Variation ID: 2083397). Invitae Evidence Modeling of protein sequence and biophysical properties (such as structural, functional, and spatial information, amino acid conservation, physicochemical variation, residue mobility, and thermodynamic stability) has been performed for this missense variant. However, the output from this modeling did not meet the statistical confidence thresholds required to predict the impact of this variant on HGSNAT protein function. In summary, the available evidence is currently insufficient to determine the role of this variant in disease. Therefore, it has been classified as a Variant of Uncertain Significance.